The following is an entry in ClinVar:

NM_145045.5(ODAD3):c.1079G>A (p.Gly360Asp)

Gene: ODAD3 (outer dynein arm docking complex subunit 3; minus strand). Cytogenetic location: 19p13.2.
Variant type: single nucleotide variant.
Coding change: c.1079G>A on transcript NM_145045.5 (MANE Select); coding-DNA position 1079, G replaced by A.
Protein change: p.Gly360Asp; replaces glycine 360 with aspartic acid.
Molecular consequence: missense variant.
Genome position (GRCh38, 1-based): chr19:11,423,914, C>T on the plus strand (G>A on the coding strand, the complement: ODAD3 is on the minus strand). VCF-style: chr19-11423914-C-T. GRCh37 (hg19) VCF-style: chr19-11534583-C-T.
Other names: c.917G>A, p.Gly306Asp (NM_001302453.1); c.899G>A, p.Gly300Asp (NM_001302454.2); short protein forms G306D, G360D, G300D.
Identifiers: ClinVar variation 4773905 (VCV004773905.1).

ClinVar aggregate classification (germline): Uncertain significance (1 of 4 stars; one submission).

Conditions:
Primary ciliary dyskinesia 30. Also called: CILIARY DYSKINESIA, PRIMARY, 30, WITH OR WITHOUT SITUS INVERSUS. Identifiers: Orphanet 244, MedGen C4015016, MONDO:0014465, OMIM 616037.

Submission:

Labcorp Genetics (formerly Invitae), Labcorp
Classification: Uncertain significance for Primary ciliary dyskinesia 30. Last evaluated: 2025-06-18. Review status: criteria provided, single submitter. Criteria: Invitae Variant Classification Sherloc (09022015). Collection method: clinical testing. Allele origin: germline.
Comment: This sequence change replaces glycine, which is neutral and non-polar, with aspartic acid, which is acidic and polar, at codon 360 of the CCDC151 protein (p.Gly360Asp). This variant is not present in population databases (gnomAD no frequency). This variant has not been reported in the literature in individuals affected with CCDC151-related conditions. An algorithm developed to predict the effect of missense changes on protein structure and function outputs the following: PolyPhen-2: "Benign". The aspartic acid amino acid residue is found in multiple mammalian species, which suggests that this missense change does not adversely affect protein function. In summary, the available evidence is currently insufficient to determine the role of this variant in disease. Therefore, it has been classified as a Variant of Uncertain Significance.